The following is an entry in ClinVar:

ClinVar aggregate classification (germline): Uncertain significance (1 of 4 stars; one submission).

Conditions:
MELAS syndrome (MELAS). Also called: Juvenile myopathy, encephalopathy, lactic acidosis, stroke. Identifiers: Orphanet 550, MedGen C0162671, MONDO:0010789, OMIM 540000.

Submission:

Wong Mito Lab, Molecular and Human Genetics, Baylor College of Medicine
Classification: Uncertain significance for MELAS syndrome. Last evaluated: 2019-07-12. Review status: criteria provided, single submitter. Criteria: Modified ACMG Guidelines (Unpublished). Collection method: clinical testing. Allele origin: germline.
Comment: The NC_012920.1:m.628C>T variant in MT-TF gene is interpreted to be a Unknown Significance variant based on the modified ACMG guidelines (unpublished). This variant meets the following evidence codes reported in the guidelines: PM9, PP6

Literature cited by the submitters: PubMed 31965079.

NC_012920.1(MT-TF):m.628C>T

Gene: MT-TF (mitochondrially encoded tRNA phenylalanine; plus strand).
Variant type: single nucleotide variant.
Genome position: chrM-628-C-T.
Identifiers: ClinVar variation 689822 (VCV000689822.1), dbSNP rs1603218467, ClinGen allele CA913175667.